The following is an entry in ClinVar:

ClinVar aggregate classification (germline): Benign/Likely benign. Review status: criteria provided, multiple submitters, no conflicts (2 of 4 stars). 8 submissions from 8 submitters: Benign (1); Likely benign (7). Last evaluated 2026-03-26.

Conditions:
ACTC1-related disorder. Also called: ACTC1-related condition.
Cardiovascular phenotype. Identifiers: MedGen CN230736.
Hypertrophic cardiomyopathy 11. Also called: ACTC1-Related Familial Hypertrophic Cardiomyopathy. Identifiers: MedGen C2677506, MONDO:0012799, OMIM 612098.
Dilated cardiomyopathy 1R (CMD1R). Identifiers: Orphanet 154, Orphanet 54260, MedGen C3150681, MONDO:0013261, OMIM 613424.
Atrial septal defect 5 (ASD5). Identifiers: Orphanet 1478, MedGen C2748552, MONDO:0013011, OMIM 612794.
Cardiomyopathy (CMYO). Also called: Cardiomyopathies. Identifiers: Orphanet 167848, MedGen C0878544, MONDO:0004994, HP:0001638. Inheritance: Various modes of inheritance.
Hypertrophic cardiomyopathy. Also called: HYPERTROPHIC MYOCARDIOPATHY. Identifiers: Orphanet 217569, MedGen C0007194, MeSH D002312, MONDO:0005045, HP:0001639.

Allele frequency attached by ClinVar (database versions not stated): gnomAD 0.00020 and 0.00022; TOPMed 0.00023; 1000 Genomes Project 30x 0.00031; ESP Exome Variant Server 0.00062; gnomAD exomes 0.00004 and 0.00008; ExAC 0.00007.
gnomAD v4.1: 84 of 1,614,146 alleles (0.0052%); highest among the groups gnomAD compares: African/African-American, 0.081%; no homozygotes.

Submissions (8):

PreventionGenetics, part of Exact Sciences
Classification: Likely benign for ACTC1-related condition. Last evaluated: 2026-03-26. Review status: criteria provided, single submitter. Criteria: ACMG Guidelines, 2015. Collection method: clinical testing. Allele origin: germline.
Comment: This variant is classified as likely benign based on ACMG/AMP sequence variant interpretation guidelines (Richards et al. 2015 PMID: 25741868, with internal and published modifications).

Labcorp Genetics (formerly Invitae), Labcorp
Classification: Likely benign for Dilated cardiomyopathy 1R; Hypertrophic cardiomyopathy 11; Atrial septal defect 5. Last evaluated: 2025-12-03. Review status: criteria provided, single submitter. Criteria: Invitae Variant Classification Sherloc (09022015). Collection method: clinical testing. Allele origin: germline.

Blueprint Genetics
Classification: Likely benign. Last evaluated: 2024-09-25. Review status: criteria provided, single submitter. Criteria: ACMG Guidelines, 2015. Collection method: clinical testing. Allele origin: germline.

All of Us Research Program, National Institutes of Health
Classification: Likely benign for Hypertrophic cardiomyopathy. Last evaluated: 2024-01-03. Review status: criteria provided, single submitter. Criteria: ACMG Guidelines, 2015. Collection method: clinical testing. Allele origin: germline. Inheritance: Autosomal dominant inheritance. Observed: 16 variant alleles, 16 heterozygotes.
Comment: This study involves interpretation of variants in research participants for the purpose of population health screening. Participant phenotype was not available at the time of variant classification. Additional details can be found in publication PMID: 35346344, PMCID: PMC8962531

Color Diagnostics, LLC DBA Color Health
Classification: Likely benign for Cardiomyopathy. Last evaluated: 2019-07-15. Review status: criteria provided, single submitter. Criteria: ACMG Guidelines, 2015. Collection method: clinical testing. Allele origin: germline.

Ambry Genetics
Classification: Likely benign for Cardiovascular phenotype. Last evaluated: 2018-11-30. Review status: criteria provided, single submitter. Criteria: Ambry Variant Classification Scheme 2023. Collection method: clinical testing. Allele origin: germline.

Laboratory for Molecular Medicine, Mass General Brigham Personalized Medicine
Classification: Likely benign. Last evaluated: 2013-08-22. Review status: criteria provided, single submitter. Criteria: LMM Criteria. Collection method: clinical testing. Allele origin: germline. Observed: 3 variant alleles.
Comment: Tyr171Tyr in exon 3 of ACTC1: This variant is not expected to have clinical sign ificance because it does not alter an amino acid residue and is not located with in the splice consensus sequence. It has been identified in 0.2% (8/4402) of Afr ican American chromosomes from a broad population by the NHLBI Exome Sequencing Project (dbSNP rs145023222). Tyr171Tyr in ex on 3 of ACTC1 (rs145023222; allele frequency = 0.2%, 8/4402) **

GeneDx
Classification: Benign. Last evaluated: 2012-11-28. Review status: criteria provided, single submitter. Criteria: GeneDx Variant Classification (06012015). Collection method: clinical testing. Allele origin: germline. Affected: yes.
Comment: This variant is considered likely benign or benign based on one or more of the following criteria: it is a conservative change, it occurs at a poorly conserved position in the protein, it is predicted to be benign by multiple in silico algorithms, and/or has population frequency not consistent with disease.

NM_005159.5(ACTC1):c.513C>T (p.Tyr171=)

Genes: ACTC1 (actin alpha cardiac muscle 1; minus strand), GJD2-DT (GJD2 divergent transcript; plus strand). Cytogenetic location: 15q14.
Variant type: single nucleotide variant.
Coding change: c.513C>T on transcript NM_005159.5 (MANE Select); coding-DNA position 513, C replaced by T.
Protein change: p.Tyr171=; no amino-acid change (tyrosine 171 retained).
Molecular consequence: synonymous variant.
Genome position (GRCh38, 1-based): chr15:34,792,511, G>A on the plus strand (C>T on the coding strand, the complement: ACTC1 is on the minus strand). VCF-style: chr15-34792511-G-A. GRCh37 (hg19) VCF-style: chr15-35084712-G-A.
Other names: p.Y171Y:TAC>TAT.
Identifiers: ClinVar variation 45181 (VCV000045181.22), dbSNP rs145023222, ClinGen allele CA019802.